The following is an entry in ClinVar:

NM_020812.4(DOCK6):c.5172C>T (p.Ala1724=)

Genes: DOCK6 (dedicator of cytokinesis 6; minus strand), DOCK6-AS1 (DOCK6 antisense RNA 1; plus strand). Cytogenetic location: 19p13.2.
Variant type: single nucleotide variant.
Coding change: c.5172C>T on transcript NM_020812.4 (MANE Select); coding-DNA position 5172, C replaced by T.
Protein change: p.Ala1724=; no amino-acid change (alanine 1724 retained).
Molecular consequence: synonymous variant.
Genome position (GRCh38, 1-based): chr19:11,204,248, G>A on the plus strand (C>T on the coding strand, the complement: DOCK6 is on the minus strand). VCF-style: chr19-11204248-G-A. GRCh37 (hg19) VCF-style: chr19-11314924-G-A.
Other names: c.5277C>T, p.Ala1759= (NM_001367830.1).
Identifiers: ClinVar variation 4984729 (VCV004984729.1).

ClinVar aggregate classification (germline): Likely benign (1 of 4 stars; one submission).

Conditions:
DOCK6-related disorder. Also called: DOCK6-related condition.

gnomAD v4.1: 13 of 1,593,520 alleles (0.00082%); highest among the groups gnomAD compares: Admixed American, 0.0069%; no homozygotes.

Submission:

PreventionGenetics, part of Exact Sciences
Classification: Likely benign for DOCK6-related condition. Last evaluated: 2026-05-29. Review status: criteria provided, single submitter. Criteria: ACMG Guidelines, 2015. Collection method: clinical testing. Allele origin: germline.
Comment: This variant is classified as likely benign based on ACMG/AMP sequence variant interpretation guidelines (Richards et al. 2015 PMID: 25741868, with internal and published modifications).